The following is an entry in ClinVar:

ClinVar aggregate classification (germline): Uncertain significance. Review status: criteria provided, multiple submitters, no conflicts (2 of 4 stars). 2 submissions from 2 submitters: Uncertain significance (2). Last evaluated 2025-04-08.

Conditions:
Inborn genetic diseases. Identifiers: MedGen C0950123, MeSH D030342.
Charcot-Marie-Tooth disease type 4. Also called: Charcot-Marie-Tooth disease, type IV; Charcot-Marie-Tooth, Type 4. Identifiers: Orphanet 64749, MedGen C4082197, MONDO:0018995.

Allele frequency attached by ClinVar (database versions not stated): gnomAD exomes 0.00006 and 0.00003; 1000 Genomes Project 0.00020; 1000 Genomes Project 30x 0.00016; gnomAD 0.00007; ExAC 0.00005; TOPMed 0.00009.
gnomAD v4.1: 61 of 1,613,566 alleles (0.0038%); highest among the groups gnomAD compares: Admixed American, 0.035%; no homozygotes.

Submissions (2):

Ambry Genetics
Classification: Uncertain significance for Inborn genetic diseases. Last evaluated: 2025-04-08. Review status: criteria provided, single submitter. Criteria: Ambry Variant Classification Scheme 2023. Collection method: clinical testing. Allele origin: germline.

Labcorp Genetics (formerly Invitae), Labcorp
Classification: Uncertain significance for Charcot-Marie-Tooth disease type 4. Last evaluated: 2022-05-30. Review status: criteria provided, single submitter. Criteria: Invitae Variant Classification Sherloc (09022015). Collection method: clinical testing. Allele origin: germline.
Comment: This sequence change replaces aspartic acid, which is acidic and polar, with asparagine, which is neutral and polar, at codon 1013 of the PRX protein (p.Asp1013Asn). This variant is present in population databases (rs548086012, gnomAD 0.03%). This variant has not been reported in the literature in individuals affected with PRX-related conditions. ClinVar contains an entry for this variant (Variation ID: 566998). Algorithms developed to predict the effect of missense changes on protein structure and function are either unavailable or do not agree on the potential impact of this missense change (SIFT: "Deleterious"; PolyPhen-2: "Possibly Damaging"; Align-GVGD: "Class C0"). In summary, the available evidence is currently insufficient to determine the role of this variant in disease. Therefore, it has been classified as a Variant of Uncertain Significance.

NM_181882.3(PRX):c.3037G>A (p.Asp1013Asn)

Gene: PRX (periaxin; minus strand). Cytogenetic location: 19q13.2.
Variant type: single nucleotide variant.
Coding change: c.3037G>A on transcript NM_181882.3 (MANE Select); coding-DNA position 3037, G replaced by A.
Protein change: p.Asp1013Asn; replaces aspartic acid 1013 with asparagine.
Molecular consequence: missense variant. On other transcripts: 3 prime UTR variant (1).
Genome position (GRCh38, 1-based): chr19:40,395,315, C>T on the plus strand (G>A on the coding strand, the complement: PRX is on the minus strand). VCF-style: chr19-40395315-C-T. GRCh37 (hg19) VCF-style: chr19-40901222-C-T.
Other names: c.*3242G>A (NM_020956.2); short protein forms D1013N.
Identifiers: ClinVar variation 566998 (VCV000566998.6), dbSNP rs548086012, ClinGen allele CA9443932.